The following is an entry in ClinVar:

ClinVar aggregate classification (germline): Pathogenic. Review status: criteria provided, multiple submitters, no conflicts (2 of 4 stars). 2 submissions from 2 submitters: Pathogenic (2). Last evaluated 2025-02-04.

Conditions:
Rafiq syndrome (RAFQS). Identifiers: Orphanet 88616, MedGen C3280127, MONDO:0013624, OMIM 614202.
MAN1B1-congenital disorder of glycosylation. Also called: MAN1B1-CDG. Identifiers: Orphanet 397941, MedGen C4518783, MONDO:0018349.

Allele frequency attached by ClinVar (database versions not stated): TOPMed below 0.00001; gnomAD 0.00001; gnomAD exomes 0.00001.
gnomAD v4.1: 12 of 1,614,056 alleles (0.00074%); highest among the groups gnomAD compares: Non-Finnish European, 0.001%; no homozygotes.

Submissions (2):

GeneDx
Classification: Pathogenic. Last evaluated: 2025-02-04. Review status: criteria provided, single submitter. Criteria: GeneDx Variant Classification Process June 2021. Collection method: clinical testing. Allele origin: germline. Affected: yes.
Comment: Has not been previously published as pathogenic or benign to our knowledge; Not observed at significant frequency in large population cohorts (gnomAD); Nonsense variant predicted to result in protein truncation or nonsense mediated decay in a gene for which loss of function is a known mechanism of disease

Labcorp Genetics (formerly Invitae), Labcorp
Classification: Pathogenic for Rafiq syndrome. Last evaluated: 2024-05-06. Review status: criteria provided, single submitter. Criteria: Invitae Variant Classification Sherloc (09022015). Collection method: clinical testing. Allele origin: germline.
Comment: This sequence change creates a premature translational stop signal (p.Gln162*) in the MAN1B1 gene. It is expected to result in an absent or disrupted protein product. Loss-of-function variants in MAN1B1 are known to be pathogenic (PMID: 24566669). This variant is present in population databases (no rsID available, gnomAD 0.0009%). This variant has not been reported in the literature in individuals affected with MAN1B1-related conditions. ClinVar contains an entry for this variant (Variation ID: 1254598). For these reasons, this variant has been classified as Pathogenic.

Literature cited by the submitters: PubMed 24566669 (cited by Labcorp Genetics (formerly Invitae), Labcorp).

NM_016219.5(MAN1B1):c.484C>T (p.Gln162Ter)

Gene: MAN1B1 (mannosidase alpha class 1B member 1; plus strand). Cytogenetic location: 9q34.3.
Variant type: single nucleotide variant.
Coding change: c.484C>T on transcript NM_016219.5 (MANE Select); coding-DNA position 484, C replaced by T.
Protein change: p.Gln162Ter; replaces glutamine 162 with a stop codon.
Molecular consequence: nonsense. On other transcripts: non-coding transcript variant (2).
Genome position (GRCh38, 1-based): chr9:137,096,255, C>T. VCF-style: chr9-137096255-C-T. GRCh37 (hg19) VCF-style: chr9-139990707-C-T.
Other names: short protein forms Q162*.
Identifiers: ClinVar variation 1254598 (VCV001254598.11), dbSNP rs1207589187, ClinGen allele CA375641981.